The following is an entry in ClinVar:

NM_024753.5(TTC21B):c.2951-3640C>T

Gene: TTC21B (tetratricopeptide repeat domain 21B; minus strand). Cytogenetic location: 2q24.3.
Variant type: single nucleotide variant.
Coding change: c.2951-3640C>T on transcript NM_024753.5 (MANE Select); 3640 bases into the intron before coding-DNA position 2951, C replaced by T.
Molecular consequence: intron variant.
Genome position (GRCh38, 1-based): chr2:165,894,628, G>A on the plus strand (C>T on the coding strand, the complement: TTC21B is on the minus strand). VCF-style: chr2-165894628-G-A. GRCh37 (hg19) VCF-style: chr2-166751138-G-A.
Identifiers: ClinVar variation 3388954 (VCV003388954.14).
Genomic context (GRCh38, chr2:165,894,628, plus strand): 5'-TACTTAAAATTTTGTGGTTGTTTTTGAGACCAAGTCTCACTCTGTCACCGAGGCTGGAGT[G>A]CAGTGGTGTGATCTTGGCTCACGGCAACCTCCACCTCCCAGGTTCAAGCGATTCTCCTGC-3'

ClinVar aggregate classification (germline): Likely benign (1 of 4 stars; one submission).

gnomAD v4.1: 245 of 152,276 alleles (0.16%); highest among the groups gnomAD compares: African/African-American, 0.56%; 1 homozygote.

Submission:

CeGaT Center for Human Genetics Tuebingen
Classification: Likely benign. Last evaluated: 2024-10-01. Review status: criteria provided, single submitter. Criteria: CeGaT Center For Human Genetics Tuebingen Variant Classification Criteria Version 2. Collection method: clinical testing. Allele origin: germline. Affected: yes. Observed: 1 variant allele.
Comment: TTC21B: BP4, BP7